The following is an entry in ClinVar:

NM_001042432.2(CLN3):c.734C>A (p.Ala245Glu)

Gene: CLN3 (CLN3 lysosomal/endosomal transmembrane protein, battenin; minus strand). Cytogenetic location: 16p12.1.
Variant type: single nucleotide variant.
Coding change: c.734C>A on transcript NM_001042432.2 (MANE Select); coding-DNA position 734, C replaced by A.
Protein change: p.Ala245Glu; replaces alanine 245 with glutamic acid.
Molecular consequence: missense variant.
Genome position (GRCh38, 1-based): chr16:28,484,062, G>T on the plus strand (C>A on the coding strand, the complement: CLN3 is on the minus strand). VCF-style: chr16-28484062-G-T. GRCh37 (hg19) VCF-style: chr16-28495383-G-T.
Other names: c.734C>A, p.Ala245Glu (NM_000086.2); c.662C>A, p.Ala221Glu (NM_001286104.2); c.434C>A, p.Ala145Glu (NM_001286105.2); c.500C>A, p.Ala167Glu (NM_001286109.2); c.572C>A, p.Ala191Glu (NM_001286110.2); short protein forms A191E, A167E, A145E, A221E, A245E.
Identifiers: ClinVar variation 1392242 (VCV001392242.7), dbSNP rs2141706952, ClinGen allele CA395344820.

ClinVar aggregate classification (germline): Uncertain significance (1 of 4 stars; one submission).

Conditions:
Neuronal ceroid lipofuscinosis. Also called: Neuronal Ceroid Lipofuscinoses. Identifiers: Orphanet 216, Orphanet 79263, MedGen C0027877, MONDO:0016295. Disease mechanism: loss of function.

Submission:

Labcorp Genetics (formerly Invitae), Labcorp
Classification: Uncertain significance for Neuronal ceroid lipofuscinosis. Last evaluated: 2024-02-26. Review status: criteria provided, single submitter. Criteria: Invitae Variant Classification Sherloc (09022015). Collection method: clinical testing. Allele origin: germline.
Comment: This sequence change replaces alanine, which is neutral and non-polar, with glutamic acid, which is acidic and polar, at codon 245 of the CLN3 protein (p.Ala245Glu). This variant is not present in population databases (gnomAD no frequency). This variant has not been reported in the literature in individuals affected with CLN3-related conditions. ClinVar contains an entry for this variant (Variation ID: 1392242). An algorithm developed to predict the effect of missense changes on protein structure and function (PolyPhen-2) suggests that this variant is likely to be tolerated. In summary, the available evidence is currently insufficient to determine the role of this variant in disease. Therefore, it has been classified as a Variant of Uncertain Significance.